The following is an entry in ClinVar:

ClinVar aggregate classification (germline): Likely benign (1 of 4 stars; one submission).

Submission:

CeGaT Center for Human Genetics Tuebingen
Classification: Likely benign. Last evaluated: 2026-04-01. Review status: criteria provided, single submitter. Criteria: CeGaT Center For Human Genetics Tuebingen Variant Classification Criteria Version 2. Collection method: clinical testing. Allele origin: germline. Affected: yes. Observed: 1 variant allele.
Comment: RUSC2: PM2:Supporting, BP4, BP7

NM_014806.5(RUSC2):c.1509G>A (p.Leu503=)

Gene: RUSC2 (RUN and SH3 domain containing 2; plus strand). Cytogenetic location: 9p13.3.
Variant type: single nucleotide variant.
Coding change: c.1509G>A on transcript NM_014806.5 (MANE Select); coding-DNA position 1509, G replaced by A.
Protein change: p.Leu503=; no amino-acid change (leucine 503 retained).
Molecular consequence: synonymous variant. On other transcripts: non-coding transcript variant (1), intron variant (1).
Genome position (GRCh38, 1-based): chr9:35,548,030, G>A. VCF-style: chr9-35548030-G-A. GRCh37 (hg19) VCF-style: chr9-35548027-G-A.
Other names: c.1509G>A, p.Leu503= (NM_001135999.2); c.-620-7030G>A (NM_001330740.2).
Identifiers: ClinVar variation 4873090 (VCV004873090.2).